The following is an entry in ClinVar:

ClinVar aggregate classification (germline): Uncertain significance (1 of 4 stars; one submission).

Submission:

Labcorp Genetics (formerly Invitae), Labcorp
Classification: Uncertain significance. Last evaluated: 2025-08-16. Review status: criteria provided, single submitter. Criteria: Invitae Variant Classification Sherloc (09022015). Collection method: clinical testing. Allele origin: germline.
Comment: This sequence change replaces cysteine, which is neutral and slightly polar, with tyrosine, which is neutral and polar, at codon 318 of the ACAN protein (p.Cys318Tyr). This variant is not present in population databases (gnomAD no frequency). This variant has not been reported in the literature in individuals affected with ACAN-related conditions. Invitae Evidence Modeling of protein sequence and biophysical properties (such as structural, functional, and spatial information, amino acid conservation, physicochemical variation, residue mobility, and thermodynamic stability) indicates that this missense variant is not expected to disrupt ACAN protein function with a negative predictive value of 80%. In summary, the available evidence is currently insufficient to determine the role of this variant in disease. Therefore, it has been classified as a Variant of Uncertain Significance.

NM_001369268.1(ACAN):c.953G>A (p.Cys318Tyr)

Gene: ACAN (aggrecan; plus strand). Cytogenetic location: 15q26.1.
Variant type: single nucleotide variant.
Coding change: c.953G>A on transcript NM_001369268.1 (MANE Select); coding-DNA position 953, G replaced by A.
Protein change: p.Cys318Tyr; replaces cysteine 318 with tyrosine.
Molecular consequence: missense variant.
Genome position (GRCh38, 1-based): chr15:88,843,550, G>A. VCF-style: chr15-88843550-G-A. GRCh37 (hg19) VCF-style: chr15-89386781-G-A.
Other names: c.953G>A, p.Cys318Tyr (NM_001135.4, NM_001411096.1, NM_001411097.1 and 1 more transcripts); short protein forms C318Y.
Identifiers: ClinVar variation 4744985 (VCV004744985.1).